The following is an entry in ClinVar:

ClinVar aggregate classification (germline): Uncertain significance (1 of 4 stars; one submission).

Conditions:
Inborn genetic diseases. Identifiers: MedGen C0950123, MeSH D030342.

gnomAD v4.1: 4 of 1,610,370 alleles (0.00025%); highest among the groups gnomAD compares: South Asian, 0.0022%; no homozygotes.

Submission:

Ambry Genetics
Classification: Uncertain significance for Inborn genetic diseases. Last evaluated: 2024-09-21. Review status: criteria provided, single submitter. Criteria: Ambry Variant Classification Scheme 2023. Collection method: clinical testing. Allele origin: germline.
Comment: The p.L45F variant (also known as c.133C>T), located in coding exon 2 of the ATR gene, results from a C to T substitution at nucleotide position 133. The leucine at codon 45 is replaced by phenylalanine, an amino acid with highly similar properties. This amino acid position is conserved. In addition, this alteration is predicted to be deleterious by in silico analysis. Based on the available evidence, the clinical significance of this variant remains unclear.

NM_001184.4(ATR):c.133C>T (p.Leu45Phe)

Gene: ATR (ATR serine/threonine kinase; minus strand). Cytogenetic location: 3q23.
Variant type: single nucleotide variant.
Coding change: c.133C>T on transcript NM_001184.4 (MANE Select); coding-DNA position 133, C replaced by T.
Protein change: p.Leu45Phe; replaces leucine 45 with phenylalanine.
Molecular consequence: missense variant.
Genome position (GRCh38, 1-based): chr3:142,568,081, G>A on the plus strand (C>T on the coding strand, the complement: ATR is on the minus strand). VCF-style: chr3-142568081-G-A. GRCh37 (hg19) VCF-style: chr3-142286923-G-A.
Other names: c.133C>T, p.Leu45Phe (NM_001354579.2); short protein forms L45F.
Identifiers: ClinVar variation 3461935 (VCV003461935.1).